The following is an entry in ClinVar:

ClinVar aggregate classification (germline): Uncertain significance. Review status: criteria provided, multiple submitters, no conflicts (2 of 4 stars). 3 submissions from 3 submitters: Uncertain significance (3). Last evaluated 2025-02-19.

Allele frequency attached by ClinVar (database versions not stated): TOPMed 0.00002; gnomAD 0.00003; gnomAD exomes 0.00003; ExAC 0.00005; 1000 Genomes Project 0.00020; 1000 Genomes Project 30x 0.00031.
gnomAD v4.1: 18 of 1,610,240 alleles (0.0011%); highest among the groups gnomAD compares: Middle Eastern, 0.017%; no homozygotes.

Submissions (3):

GeneDx
Classification: Uncertain significance. Last evaluated: 2025-02-19. Review status: criteria provided, single submitter. Criteria: GeneDx Variant Classification Process June 2021. Collection method: clinical testing. Allele origin: germline. Affected: yes.
Comment: In silico analysis supports that this missense variant has a deleterious effect on protein structure/function; Has not been previously published as pathogenic or benign to our knowledge

Labcorp Genetics (formerly Invitae), Labcorp
Classification: Uncertain significance. Last evaluated: 2024-10-22. Review status: criteria provided, single submitter. Criteria: Invitae Variant Classification Sherloc (09022015). Collection method: clinical testing. Allele origin: germline.
Comment: This sequence change replaces arginine, which is basic and polar, with tryptophan, which is neutral and slightly polar, at codon 453 of the DCHS1 protein (p.Arg453Trp). This variant is present in population databases (rs191332618, gnomAD 0.02%). This variant has not been reported in the literature in individuals affected with DCHS1-related conditions. ClinVar contains an entry for this variant (Variation ID: 806615). Invitae Evidence Modeling of protein sequence and biophysical properties (such as structural, functional, and spatial information, amino acid conservation, physicochemical variation, residue mobility, and thermodynamic stability) has been performed for this missense variant. However, the output from this modeling did not meet the statistical confidence thresholds required to predict the impact of this variant on DCHS1 protein function. In summary, the available evidence is currently insufficient to determine the role of this variant in disease. Therefore, it has been classified as a Variant of Uncertain Significance.

CeGaT Center for Human Genetics Tuebingen
Classification: Uncertain significance. Last evaluated: 2018-01-01. Review status: criteria provided, single submitter. Criteria: CeGaT Center For Human Genetics Tuebingen Variant Classification Criteria Version 2. Collection method: clinical testing. Allele origin: germline. Affected: yes. Observed: 1 variant allele.

NM_003737.4(DCHS1):c.1357C>T (p.Arg453Trp)

Gene: DCHS1 (dachsous cadherin-related 1; minus strand). Cytogenetic location: 11p15.4.
Variant type: single nucleotide variant.
Coding change: c.1357C>T on transcript NM_003737.4 (MANE Select); coding-DNA position 1357, C replaced by T.
Protein change: p.Arg453Trp; replaces arginine 453 with tryptophan.
Molecular consequence: missense variant.
Genome position (GRCh38, 1-based): chr11:6,640,257, G>A on the plus strand (C>T on the coding strand, the complement: DCHS1 is on the minus strand). VCF-style: chr11-6640257-G-A. GRCh37 (hg19) VCF-style: chr11-6661488-G-A.
Other names: c.1357C>T (NM_003737.3); short protein forms R453W.
Identifiers: ClinVar variation 806615 (VCV000806615.47), dbSNP rs191332618, ClinGen allele CA5860985.